The following is an entry in ClinVar:

NM_138420.4(AHNAK2):c.5040G>C (p.Ser1680=)

Gene: AHNAK2 (AHNAK nucleoprotein 2; minus strand). Cytogenetic location: 14q32.33.
Variant type: single nucleotide variant.
Coding change: c.5040G>C on transcript NM_138420.4 (MANE Select); coding-DNA position 5040, G replaced by C.
Protein change: p.Ser1680=; no amino-acid change (serine 1680 retained).
Molecular consequence: synonymous variant.
Genome position (GRCh38, 1-based): chr14:104,950,411, C>G on the plus strand (G>C on the coding strand, the complement: AHNAK2 is on the minus strand). VCF-style: chr14-104950411-C-G. GRCh37 (hg19) VCF-style: chr14-105416748-C-G.
Other names: c.4740G>C, p.Ser1580= (NM_001350929.2).
Identifiers: ClinVar variation 5038581 (VCV005038581.1).

ClinVar aggregate classification (germline): Likely benign (1 of 4 stars; one submission).

gnomAD v4.1: 251 of 1,585,064 alleles (0.016%); highest among the groups gnomAD compares: African/African-American, 0.17%; 22 homozygotes.

Submission:

CeGaT Center for Human Genetics Tuebingen
Classification: Likely benign. Last evaluated: 2026-07-01. Review status: criteria provided, single submitter. Criteria: CeGaT Center For Human Genetics Tuebingen Variant Classification Criteria Version 2. Collection method: clinical testing. Allele origin: germline. Affected: yes. Observed: 1 variant allele.
Comment: AHNAK2: BP4, BP7